The following is an entry in ClinVar:

NM_000277.1:c.169_171del

Gene: PAH (phenylalanine hydroxylase; minus strand).
Variant type: Deletion.
Identifiers: ClinVar variation 1708753 (VCV001708753.2).

ClinVar aggregate classification (germline): Likely pathogenic (1 of 4 stars; one submission).

Submission:

GeneDx
Classification: Likely pathogenic. Last evaluated: 2022-04-05. Review status: criteria provided, single submitter. Criteria: GeneDx Variant Classification Process June 2021. Collection method: clinical testing. Allele origin: germline. Affected: yes.
Comment: Observed in multiple patients with phenylketonuria in the presence of a second PAH variant, although it is unknown if the two PAH variants seen in these patients are on opposite alleles (in trans) (Bercovich D et al., 2008; Ben-Rebeh I et al., 2012); Not observed at significant frequency in large population cohorts (gnomAD); In silico analysis supports a deleterious effect on protein structure/function; In-frame deletion of 1 amino acid in a non-repeat region; This variant is associated with the following publications: (PMID: 32668217, 32905092, 22106832, 18299955)